The following is an entry in ClinVar:

NM_004606.5(TAF1):c.835G>T (p.Val279Leu)

Gene: TAF1 (TATA-box binding protein associated factor 1; plus strand). Cytogenetic location: Xq13.1.
Variant type: single nucleotide variant.
Coding change: c.835G>T on transcript NM_004606.5 (MANE Select); coding-DNA position 835, G replaced by T.
Protein change: p.Val279Leu; replaces valine 279 with leucine.
Molecular consequence: missense variant. On other transcripts: non-coding transcript variant (9).
Genome position (GRCh38, 1-based): chrX:71,377,723, G>T. VCF-style: chrX-71377723-G-T. GRCh37 (hg19) VCF-style: chrX-70597573-G-T.
Other names: c.835G>T, p.Val279Leu (NM_001286074.2); c.772G>T, p.Val258Leu (NM_138923.4); short protein forms V258L, V279L.
Identifiers: ClinVar variation 3616887 (VCV003616887.4).

ClinVar aggregate classification (germline): Uncertain significance. Review status: criteria provided, multiple submitters, no conflicts (2 of 4 stars). 2 submissions from 2 submitters: Uncertain significance (2). Last evaluated 2025-10-23.

gnomAD v4.1: 1 of 1,209,856 alleles (0.000083%); highest among the groups gnomAD compares: Non-Finnish European, 0.00011%; no homozygotes.

Submissions (2):

GeneDx
Classification: Uncertain significance. Last evaluated: 2025-10-23. Review status: criteria provided, single submitter. Criteria: GeneDx Variant Classification Process June 2021. Collection method: clinical testing. Allele origin: germline.
Comment: Not observed at significant frequency in large population cohorts (gnomAD); In silico analysis suggests that this missense variant does not alter protein structure/function; Has not been previously published as pathogenic or benign to our knowledge

Labcorp Genetics (formerly Invitae), Labcorp
Classification: Uncertain significance. Last evaluated: 2024-11-09. Review status: criteria provided, single submitter. Criteria: Invitae Variant Classification Sherloc (09022015). Collection method: clinical testing. Allele origin: germline.
Comment: This sequence change replaces valine, which is neutral and non-polar, with leucine, which is neutral and non-polar, at codon 299 of the TAF1 protein (p.Val299Leu). This variant is present in population databases (no rsID available, gnomAD 0.009%). This variant has not been reported in the literature in individuals affected with TAF1-related conditions. Invitae Evidence Modeling of protein sequence and biophysical properties (such as structural, functional, and spatial information, amino acid conservation, physicochemical variation, residue mobility, and thermodynamic stability) indicates that this missense variant is not expected to disrupt TAF1 protein function with a negative predictive value of 80%. In summary, the available evidence is currently insufficient to determine the role of this variant in disease. Therefore, it has been classified as a Variant of Uncertain Significance.